The following is an entry in ClinVar:

NM_000311.5(PRNP):c.402G>C (p.Met134Ile)

Gene: PRNP (prion protein (Kanno blood group); plus strand). Cytogenetic location: 20p13.
Variant type: single nucleotide variant.
Coding change: c.402G>C on transcript NM_000311.5 (MANE Select); coding-DNA position 402, G replaced by C.
Protein change: p.Met134Ile; replaces methionine 134 with isoleucine.
Molecular consequence: missense variant. On other transcripts: 3 prime UTR variant (1).
Genome position (GRCh38, 1-based): chr20:4,699,622, G>C. VCF-style: chr20-4699622-G-C. GRCh37 (hg19) VCF-style: chr20-4680268-G-C.
Other names: c.402G>C, p.Met134Ile (NM_001080121.3, NM_001080122.3, NM_001080123.3 and 1 more transcripts); c.*91G>C (NM_001271561.3); short protein forms M134I.
Identifiers: ClinVar variation 2185939 (VCV002185939.4), dbSNP rs1922434948, ClinGen allele CA408152269.

ClinVar aggregate classification (germline): Uncertain significance (1 of 4 stars; one submission).

Conditions:
Huntington disease-like 1 (HDL1). Also called: HUNTINGTON-LIKE NEURODEGENERATIVE DISORDER 1; HUNTINGTON-LIKE NEURODEGENERATIVE DISORDER, AUTOSOMAL DOMINANT; PRION DISEASE, EARLY-ONSET, WITH PROMINENT PSYCHIATRIC FEATURES. Identifiers: Orphanet 157941, MedGen C1864112, MONDO:0011299, OMIM 603218.

Allele frequency attached by ClinVar (database versions not stated): TOPMed below 0.00001; gnomAD 0.00001; gnomAD exomes 0.00001.

Submission:

Labcorp Genetics (formerly Invitae), Labcorp
Classification: Uncertain significance for Huntington disease-like 1. Last evaluated: 2025-03-01. Review status: criteria provided, single submitter. Criteria: Invitae Variant Classification Sherloc (09022015). Collection method: clinical testing. Allele origin: germline.
Comment: This sequence change replaces methionine, which is neutral and non-polar, with isoleucine, which is neutral and non-polar, at codon 134 of the PRNP protein (p.Met134Ile). This variant is not present in population databases (gnomAD no frequency). This variant has not been reported in the literature in individuals affected with PRNP-related conditions. ClinVar contains an entry for this variant (Variation ID: 2185939). Invitae Evidence Modeling of protein sequence and biophysical properties (such as structural, functional, and spatial information, amino acid conservation, physicochemical variation, residue mobility, and thermodynamic stability) indicates that this missense variant is not expected to disrupt PRNP protein function with a negative predictive value of 80%. In summary, the available evidence is currently insufficient to determine the role of this variant in disease. Therefore, it has been classified as a Variant of Uncertain Significance.